The following is an entry in ClinVar:

NM_138694.4(PKHD1):c.1968G>A (p.Trp656Ter)

Gene: PKHD1 (PKHD1 ciliary IPT domain containing fibrocystin/polyductin; minus strand). Cytogenetic location: 6p12.2.
Variant type: single nucleotide variant.
Coding change: c.1968G>A on transcript NM_138694.4 (MANE Select); coding-DNA position 1968, G replaced by A.
Protein change: p.Trp656Ter; replaces tryptophan 656 with a stop codon.
Molecular consequence: nonsense.
Genome position (GRCh38, 1-based): chr6:52,053,248, C>T on the plus strand (G>A on the coding strand, the complement: PKHD1 is on the minus strand). VCF-style: chr6-52053248-C-T. GRCh37 (hg19) VCF-style: chr6-51918046-C-T.
Other names: c.1968G>A, p.Trp656Ter (NM_170724.3); short protein forms W656*.
Identifiers: ClinVar variation 4816595 (VCV004816595.1).

ClinVar aggregate classification (germline): Likely pathogenic (1 of 4 stars; one submission).

Conditions:
Autosomal recessive polycystic kidney disease (ARPKD). Also called: AR polycystic kidney disease. Identifiers: Orphanet 731, Orphanet 8378, MedGen C0085548, MeSH D017044, MONDO:0009889.

gnomAD v4.1: 1 of 1,614,086 alleles (0.000062%); highest among the groups gnomAD compares: East Asian, 0.0022%; no homozygotes.

Submission:

Natera, Inc.
Classification: Likely pathogenic for Autosomal recessive polycystic kidney disease. Last evaluated: 2024-06-21. Review status: criteria provided, single submitter. Criteria: Natera Variant Classification Schema (03/2026). Collection method: clinical testing. Allele origin: germline.
Comment: The c.1968G>A variant in PKHD1 is a nonsense variant predicted to introduce a stop codon at amino acid 656. This variant is expected to result in nonsense mediated decay, truncation, or a dysfunctional protein product. This variant is rare in the general population with a frequency below the threshold expected for the associated phenotype(s). Given the available evidence, this variant is classified as Likely Pathogenic.